The following is an entry in ClinVar:

ClinVar aggregate classification (germline): Uncertain significance (1 of 4 stars; one submission).

Conditions:
Wilson-Turner syndrome (WTS). Also called: MENTAL RETARDATION, X-LINKED, SYNDROMIC 6; INTELLECTUAL DEVELOPMENTAL DISORDER, X-LINKED, SYNDROMIC, WILSON-TURNER TYPE. Identifiers: Orphanet 3459, MedGen C1839736, MONDO:0010665, OMIM 309585.

Allele frequency attached by ClinVar (database versions not stated): gnomAD 0.00002.
gnomAD v4.1: 8 of 1,183,111 alleles (0.00068%); highest among the groups gnomAD compares: Non-Finnish European, 0.00091%; no homozygotes.

Submission:

Labcorp Genetics (formerly Invitae), Labcorp
Classification: Uncertain significance for Wilson-Turner syndrome. Last evaluated: 2023-03-30. Review status: criteria provided, single submitter. Criteria: Invitae Variant Classification Sherloc (09022015). Collection method: clinical testing. Allele origin: germline.
Comment: This variant has not been reported in the literature in individuals affected with LAS1L-related conditions. In summary, the available evidence is currently insufficient to determine the role of this variant in disease. Therefore, it has been classified as a Variant of Uncertain Significance. Algorithms developed to predict the effect of missense changes on protein structure and function output the following: SIFT: "Not Available"; PolyPhen-2: "Benign"; Align-GVGD: "Not Available". The arginine amino acid residue is found in multiple mammalian species, which suggests that this missense change does not adversely affect protein function. This variant is not present in population databases (gnomAD no frequency). This sequence change replaces glycine, which is neutral and non-polar, with arginine, which is basic and polar, at codon 15 of the LAS1L protein (p.Gly15Arg).

NM_031206.7(LAS1L):c.43G>C (p.Gly15Arg)

Gene: LAS1L (LAS1 like ribosome biogenesis factor; minus strand). Cytogenetic location: Xq12.
Variant type: single nucleotide variant.
Coding change: c.43G>C on transcript NM_031206.7 (MANE Select); coding-DNA position 43, G replaced by C.
Protein change: p.Gly15Arg; replaces glycine 15 with arginine.
Molecular consequence: missense variant. On other transcripts: 5 prime UTR variant (1), non-coding transcript variant (1).
Genome position (GRCh38, 1-based): chrX:65,534,673, C>G on the plus strand (G>C on the coding strand, the complement: LAS1L is on the minus strand). VCF-style: chrX-65534673-C-G. GRCh37 (hg19) VCF-style: chrX-64754553-C-G.
Other names: c.43G>C, p.Gly15Arg (NM_001170649.2, NM_001170650.2, NM_001375328.1 and 9 more transcripts); c.-754G>C (NM_001375332.1); short protein forms G15R.
Identifiers: ClinVar variation 2721370 (VCV002721370.3), dbSNP rs1348187426, ClinGen allele CA413321396.